The following is an entry in ClinVar:

ClinVar aggregate classification (germline): Uncertain significance (1 of 4 stars; one submission).

Conditions:
Rhabdoid tumor predisposition syndrome 2 (RTPS2). Identifiers: Orphanet 231108, Orphanet 69077, MedGen C2750074, MONDO:0013224, OMIM 613325.

Submission:

Labcorp Genetics (formerly Invitae), Labcorp
Classification: Uncertain significance for Rhabdoid tumor predisposition syndrome 2. Last evaluated: 2023-11-11. Review status: criteria provided, single submitter. Criteria: Invitae Variant Classification Sherloc (09022015). Collection method: clinical testing. Allele origin: germline.
Comment: This sequence change replaces aspartic acid, which is acidic and polar, with glutamic acid, which is acidic and polar, at codon 632 of the SMARCA4 protein (p.Asp632Glu). This variant is not present in population databases (gnomAD no frequency). This variant has not been reported in the literature in individuals affected with SMARCA4-related conditions. Advanced modeling of protein sequence and biophysical properties (such as structural, functional, and spatial information, amino acid conservation, physicochemical variation, residue mobility, and thermodynamic stability) performed at Invitae indicates that this missense variant is not expected to disrupt SMARCA4 protein function with a negative predictive value of 95%. In summary, the available evidence is currently insufficient to determine the role of this variant in disease. Therefore, it has been classified as a Variant of Uncertain Significance.

NM_003072.5(SMARCA4):c.1896T>A (p.Asp632Glu)

Gene: SMARCA4 (SWI/SNF related BAF chromatin remodeling complex subunit ATPase 4; plus strand). Cytogenetic location: 19p13.2.
Variant type: single nucleotide variant.
Coding change: c.1896T>A on transcript NM_003072.5 (MANE Select); coding-DNA position 1896, T replaced by A.
Protein change: p.Asp632Glu; replaces aspartic acid 632 with glutamic acid.
Molecular consequence: missense variant. On other transcripts: non-coding transcript variant (1).
Genome position (GRCh38, 1-based): chr19:11,003,112, T>A. VCF-style: chr19-11003112-T-A. GRCh37 (hg19) VCF-style: chr19-11113788-T-A.
Other names: c.1896T>A, p.Asp632Glu (NM_001128846.2, NM_001128847.4, NM_001128848.2 and 6 more transcripts); short protein forms D632E.
Identifiers: ClinVar variation 2695105 (VCV002695105.3), dbSNP rs1060502055, ClinGen allele CA404051626.